The following is an entry in ClinVar:

NM_014991.6(WDFY3):c.10467C>T (p.Arg3489=)

Gene: WDFY3 (WD repeat and FYVE domain containing 3; minus strand). Cytogenetic location: 4q21.23.
Variant type: single nucleotide variant.
Coding change: c.10467C>T on transcript NM_014991.6 (MANE Select); coding-DNA position 10467, C replaced by T.
Protein change: p.Arg3489=; no amino-acid change (arginine 3489 retained).
Molecular consequence: synonymous variant.
Genome position (GRCh38, 1-based): chr4:84,672,982, G>A on the plus strand (C>T on the coding strand, the complement: WDFY3 is on the minus strand). VCF-style: chr4-84672982-G-A. GRCh37 (hg19) VCF-style: chr4-85594135-G-A.
Identifiers: ClinVar variation 2672993 (VCV002672993.23), dbSNP rs1725657709, ClinGen allele CA440127371.

ClinVar aggregate classification (germline): Likely benign (1 of 4 stars; one submission).

Allele frequency attached by ClinVar (database versions not stated): gnomAD exomes 0.00001.
gnomAD v4.1: 4 of 1,614,092 alleles (0.00025%); highest among the groups gnomAD compares: Non-Finnish European, 0.00034%; no homozygotes.

Submission:

CeGaT Center for Human Genetics Tuebingen
Classification: Likely benign. Last evaluated: 2023-11-01. Review status: criteria provided, single submitter. Criteria: CeGaT Center For Human Genetics Tuebingen Variant Classification Criteria Version 2. Collection method: clinical testing. Allele origin: germline. Affected: yes. Observed: 1 variant allele.
Comment: WDFY3: PM2:Supporting, BP4, BP7